The following is an entry in ClinVar:

NM_001042492.3(NF1):c.8160+1G>C

Gene: NF1 (neurofibromin 1; plus strand). Cytogenetic location: 17q11.2.
Variant type: single nucleotide variant.
Coding change: c.8160+1G>C on transcript NM_001042492.3 (MANE Select); the canonical splice donor site of the intron after coding-DNA position 8160, G replaced by C.
Molecular consequence: splice donor variant.
Genome position (GRCh38, 1-based): chr17:31,359,016, G>C. VCF-style: chr17-31359016-G-C. GRCh37 (hg19) VCF-style: chr17-29686034-G-C.
Other names: c.8097+1G>C (NM_000267.4).
Identifiers: ClinVar variation 3879037 (VCV003879037.1).
Genomic context (GRCh38, chr17:31,359,016, plus strand): 5'-TGATTTGTTGCAGGTTTTGGTTTTAATGGCTTGTGGCGGTTTGCAGGACCGTTTTCAAAG[G>C]TAAGAAAATATATTTTTCTCTAACTTTTGGCAAAATGAAGGTTTCTGTTCAAATTAGTAT-3'

ClinVar aggregate classification (germline): Likely pathogenic (1 of 4 stars; one submission).

Conditions:
Cardiovascular phenotype. Identifiers: MedGen CN230736.
Hereditary cancer-predisposing syndrome. Also called: Tumor predisposition; Neoplastic Syndromes, Hereditary; Hereditary Cancer Syndrome; Hereditary neoplastic syndrome. Identifiers: Orphanet 140162, MedGen C0027672, MeSH D009386, MONDO:0015356.

Submission:

Ambry Genetics
Classification: Likely pathogenic for Cardiovascular phenotype; Hereditary cancer-predisposing syndrome. Last evaluated: 2025-01-09. Review status: criteria provided, single submitter. Criteria: Ambry Variant Classification Scheme 2023. Collection method: clinical testing. Allele origin: germline.
Comment: The c.8097+1G>C intronic variant results from a G to C substitution one nucleotide after coding exon 55 of the NF1 gene. Another variant at the same canonical splice site, c.8097+1G>A, has been identified in individual(s) meeting NIH diagnostic criteria for neurofibromatosis type 1 (NF1)(Ribeiro MJ et al. Invest Ophthalmol Vis Sci, 2012 Jan;53:287-93).This variant is considered to be rare based on population cohorts in the Genome Aggregation Database (gnomAD). This nucleotide position is highly conserved in available vertebrate species. In silico splice site analysis predicts that this alteration will weaken the native splice donor site. Alterations that disrupt the canonical splice site are expected to cause aberrant splicing, resulting in an abnormal protein or a transcript that is subject to nonsense-mediated mRNA decay. As such, this alteration is classified as likely pathogenic.